The following is an entry in ClinVar:

ClinVar aggregate classification (germline): Likely benign. Review status: criteria provided, multiple submitters, no conflicts (2 of 4 stars). 7 submissions from 7 submitters: Likely benign (5). 2 of the submissions do not count toward it. Last evaluated 2026-01-27.

Allele frequency attached by ClinVar (database versions not stated): gnomAD exomes 0.00018 and 0.00045; ExAC 0.00055; TOPMed 0.00190; gnomAD 0.00192 and 0.00204; 1000 Genomes Project 0.00200; ESP Exome Variant Server 0.00200; 1000 Genomes Project 30x 0.00203.
gnomAD v4.1: 579 of 1,614,180 alleles (0.036%); highest among the groups gnomAD compares: African/African-American, 0.67%; 3 homozygotes.

Submissions (7):

Labcorp Genetics (formerly Invitae), Labcorp
Classification: Likely benign. Last evaluated: 2026-01-27. Review status: criteria provided, single submitter. Criteria: Invitae Variant Classification Sherloc (09022015). Collection method: clinical testing. Allele origin: germline.

Women's Health and Genetics/Laboratory Corporation of America, LabCorp
Classification: Likely benign. Last evaluated: 2025-10-06. Review status: criteria provided, single submitter. Criteria: LabCorp Variant Classification Summary - May 2015. Collection method: clinical testing. Allele origin: germline.
Comment: Variant summary: COL9A2 c.562C>A (p.Leu188Met) results in a conservative amino acid change in the encoded protein sequence. Algorithms developed to predict the effect of missense changes on protein structure and function are either unavailable or do not agree on the potential impact of this missense change. The variant allele was found at a frequency of 0.00045 in 251286 control chromosomes, predominantly at a frequency of 0.0062 within the African or African-American subpopulation in the gnomAD database. The observed variant frequency within African or African-American control individuals in the gnomAD database exceeds the estimated maximal expected allele frequency for disease-causing variants in COL9A2. To our knowledge, no occurrence of c.562C>A in individuals affected with COL9A2-related conditions and no experimental evidence demonstrating its impact on protein function have been reported. ClinVar contains an entry for this variant (Variation ID: 507612). Based on the evidence outlined above, the variant was classified as likely benign.

Blueprint Genetics
Classification: Likely benign. Last evaluated: 2024-11-06. Review status: criteria provided, single submitter. Criteria: ACMG Guidelines, 2015. Collection method: clinical testing. Allele origin: germline.

GeneDx
Classification: Likely benign. Last evaluated: 2021-03-24. Review status: criteria provided, single submitter. Criteria: GeneDx Variant Classification Process June 2021. Collection method: clinical testing. Allele origin: germline. Affected: yes.

Breakthrough Genomics
Classification: Likely benign. Review status: criteria provided, single submitter. Criteria: ACMG Guidelines, 2015. Collection method: not provided. Allele origin: germline. Inheritance: Autosomal recessive inheritance. Affected: yes.

Clinical Genetics DNA and cytogenetics Diagnostics Lab, Erasmus MC, Erasmus Medical Center
Classification: Likely benign. Review status: no assertion criteria provided. Collection method: clinical testing. Allele origin: germline. Affected: yes. Study: VKGL Data-share Consensus. Not counted in ClinVar's aggregate classification.

Clinical Genetics, Academic Medical Center
Classification: Likely benign. Review status: no assertion criteria provided. Collection method: clinical testing. Allele origin: germline. Affected: yes. Study: VKGL Data-share Consensus. Not counted in ClinVar's aggregate classification.

NM_001852.4(COL9A2):c.562C>A (p.Leu188Met)

Gene: COL9A2 (collagen type IX alpha 2 chain; minus strand). Cytogenetic location: 1p34.2.
Variant type: single nucleotide variant.
Coding change: c.562C>A on transcript NM_001852.4 (MANE Select); coding-DNA position 562, C replaced by A.
Protein change: p.Leu188Met; replaces leucine 188 with methionine.
Molecular consequence: missense variant.
Genome position (GRCh38, 1-based): chr1:40,311,244, G>T on the plus strand (C>A on the coding strand, the complement: COL9A2 is on the minus strand). VCF-style: chr1-40311244-G-T. GRCh37 (hg19) VCF-style: chr1-40776916-G-T.
Other names: short protein forms L188M.
Identifiers: ClinVar variation 507612 (VCV000507612.18), dbSNP rs139455364, ClinGen allele CA791858.
Genomic context (GRCh38, chr1:40,311,244, plus strand): 5'-CTGTCACCTGCACCACCCTCCCAAGATTCAGGCCAGGAGCTCTCACCTTCACTCCCTGCA[G>T]CCCTGGGGGACCTTTCATTCCGGGTGGACAGTTGGTTGGACACTGGAAACAGAAAATCCC-3'
Protein context (NP_001843.1, residues 178-198): CPPGMKGPPG[Leu188Met]QGVKGHAGKR